The following is an entry in ClinVar:

NM_001851.6(COL9A1):c.1247C>T (p.Pro416Leu)

Gene: COL9A1 (collagen type IX alpha 1 chain; minus strand). Cytogenetic location: 6q13.
Variant type: single nucleotide variant.
Coding change: c.1247C>T on transcript NM_001851.6 (MANE Select); coding-DNA position 1247, C replaced by T.
Protein change: p.Pro416Leu; replaces proline 416 with leucine.
Molecular consequence: missense variant. On other transcripts: non-coding transcript variant (1).
Genome position (GRCh38, 1-based): chr6:70,268,844, G>A on the plus strand (C>T on the coding strand, the complement: COL9A1 is on the minus strand). VCF-style: chr6-70268844-G-A. GRCh37 (hg19) VCF-style: chr6-70978547-G-A.
Other names: c.518C>T, p.Pro173Leu (NM_001377289.1, NM_001377290.1, NM_078485.4); c.1247C>T (NM_001851.4); short protein forms P173L, P416L.
Identifiers: ClinVar variation 2087773 (VCV002087773.4), dbSNP rs1341080702, ClinGen allele CA364680879.
Genomic context (GRCh38, chr6:70,268,844, plus strand): 5'-ACTGGAAGTTATTCTCTTACCCTCATGCCTGGTAGGCCTGGATATCCTGAGCGACCTGGT[G>A]GACAGGCATTGGGACACTGCCAGGGAGAGAGGGAACAAAGAGAAAGAAAGACAGACAGAG-3'
Protein context (NP_001842.3, residues 406-426): DGDPLCPNAC[Pro416Leu]PGRSGYPGLP

ClinVar aggregate classification (germline): Uncertain significance. Review status: criteria provided, multiple submitters, no conflicts (2 of 4 stars). 2 submissions from 2 submitters: Uncertain significance (2). Last evaluated 2025-12-09.

Conditions:
Inborn genetic diseases. Identifiers: MedGen C0950123, MeSH D030342.

Allele frequency attached by ClinVar (database versions not stated): gnomAD exomes below 0.00001; gnomAD 0.00002; TOPMed 0.00002.

Submissions (2):

Ambry Genetics
Classification: Uncertain significance for Inborn genetic diseases. Last evaluated: 2025-12-09. Review status: criteria provided, single submitter. Criteria: Ambry Variant Classification Scheme 2023. Collection method: clinical testing. Allele origin: germline.

Labcorp Genetics (formerly Invitae), Labcorp
Classification: Uncertain significance. Last evaluated: 2022-02-25. Review status: criteria provided, single submitter. Criteria: Invitae Variant Classification Sherloc (09022015). Collection method: clinical testing. Allele origin: germline.
Comment: In summary, the available evidence is currently insufficient to determine the role of this variant in disease. Therefore, it has been classified as a Variant of Uncertain Significance. This sequence change replaces proline, which is neutral and non-polar, with leucine, which is neutral and non-polar, at codon 416 of the COL9A1 protein (p.Pro416Leu). This variant is present in population databases (no rsID available, gnomAD 0.008%). This variant has not been reported in the literature in individuals affected with COL9A1-related conditions. Advanced modeling of protein sequence and biophysical properties (such as structural, functional, and spatial information, amino acid conservation, physicochemical variation, residue mobility, and thermodynamic stability) performed at Invitae indicates that this missense variant is not expected to disrupt COL9A1 protein function.